The following is an entry in ClinVar:

ClinVar aggregate classification (germline): Uncertain significance (1 of 4 stars; one submission).

Conditions:
Renal tubular acidosis, distal, 3, with or without sensorineural hearing loss (DRTA3). Identifiers: MedGen C5399980, MONDO:0011268, OMIM 602722.

gnomAD v4.1: 9 of 1,614,102 alleles (0.00056%); highest among the groups gnomAD compares: East Asian, 0.0067%; no homozygotes.

Submission:

Juno Genomics, Hangzhou Juno Genomics, Inc
Classification: Uncertain significance for Renal tubular acidosis, distal, 3, with or without sensorineural hearing loss. Review status: criteria provided, single submitter. Criteria: ACMG Guidelines, 2015. Collection method: clinical testing. Allele origin: germline.
Comment: Absent from controls (or at extremely low frequency if recessive) in Genome Aggregation Database.;Multiple lines of computational evidence support a deleterious effect on the gene or gene product.

NM_020632.3(ATP6V0A4):c.572G>A (p.Arg191Gln)

Gene: ATP6V0A4 (ATPase H+ transporting V0 subunit a4; minus strand). Cytogenetic location: 7q34.
Variant type: single nucleotide variant.
Coding change: c.572G>A on transcript NM_020632.3 (MANE Select); coding-DNA position 572, G replaced by A.
Protein change: p.Arg191Gln; replaces arginine 191 with glutamine.
Molecular consequence: missense variant.
Genome position (GRCh38, 1-based): chr7:138,759,819, C>T on the plus strand (G>A on the coding strand, the complement: ATP6V0A4 is on the minus strand). VCF-style: chr7-138759819-C-T. GRCh37 (hg19) VCF-style: chr7-138444564-C-T.
Other names: c.572G>A, p.Arg191Gln (NM_130840.3, NM_130841.3); short protein forms R191Q.
Identifiers: ClinVar variation 5007163 (VCV005007163.2).